The following is an entry in ClinVar:

NM_001244008.2(KIF1A):c.608+12G>T

Gene: KIF1A (kinesin family member 1A; minus strand). Cytogenetic location: 2q37.3.
Variant type: single nucleotide variant.
Coding change: c.608+12G>T on transcript NM_001244008.2 (MANE Select); 12 bases into the intron after coding-DNA position 608, G replaced by T.
Molecular consequence: intron variant.
Genome position (GRCh38, 1-based): chr2:240,786,323, C>A on the plus strand (G>T on the coding strand, the complement: KIF1A is on the minus strand). VCF-style: chr2-240786323-C-A. GRCh37 (hg19) VCF-style: chr2-241725740-C-A.
Other names: c.608+12G>T (NM_001379653.1, NM_001379650.1, NM_001379645.1 and 20 more transcripts).
Identifiers: ClinVar variation 2019563 (VCV002019563.4), dbSNP rs1169455430, ClinGen allele CA766955419.

ClinVar aggregate classification (germline): Uncertain significance (1 of 4 stars; one submission).

Conditions:
Hereditary spastic paraplegia 30. Identifiers: Orphanet 101010, MedGen C5235139, MONDO:0012476.
Neuropathy, hereditary sensory, type 2C. Also called: Hereditary sensory and autonomic neuropathy type IIC; KIF1A-Related HSAN2 (HSAN2C). Identifiers: Orphanet 970, MedGen C3280168, MONDO:0013634, OMIM 614213.
Intellectual disability, autosomal dominant 9 (NESCAVS). Also called: NESCAV SYNDROME; KIF1A-Related Neurodevelopmental Disorder. Identifiers: Orphanet 662367, MedGen C5393830, MONDO:0013656, OMIM 614255.

Allele frequency attached by ClinVar (database versions not stated): TOPMed below 0.00001; gnomAD exomes 0.00001.
gnomAD v4.1: 7 of 1,610,826 alleles (0.00043%); highest among the groups gnomAD compares: Non-Finnish European, 0.00059%; no homozygotes.

Submission:

Labcorp Genetics (formerly Invitae), Labcorp
Classification: Uncertain significance for Hereditary spastic paraplegia 30; Neuropathy, hereditary sensory, type 2C; Intellectual disability, autosomal dominant 9. Last evaluated: 2022-07-25. Review status: criteria provided, single submitter. Criteria: Invitae Variant Classification Sherloc (09022015). Collection method: clinical testing. Allele origin: germline.
Comment: In summary, the available evidence is currently insufficient to determine the role of this variant in disease. Therefore, it has been classified as a Variant of Uncertain Significance. Algorithms developed to predict the effect of sequence changes on RNA splicing suggest that this variant may create or strengthen a splice site. This variant has not been reported in the literature in individuals affected with KIF1A-related conditions. This variant is not present in population databases (gnomAD no frequency). This sequence change falls in intron 5 of the KIF1A gene. It does not directly change the encoded amino acid sequence of the KIF1A protein.